The following is an entry in ClinVar:

NM_001283009.2(RTEL1):c.666A>G (p.Ile222Met)

Genes: RTEL1 (regulator of telomere elongation helicase 1; plus strand), RTEL1-TNFRSF6B (RTEL1-TNFRSF6B readthrough (NMD candidate); plus strand). Cytogenetic location: 20q13.33.
Variant type: single nucleotide variant.
Coding change: c.666A>G on transcript NM_001283009.2 (MANE Select); coding-DNA position 666, A replaced by G.
Protein change: p.Ile222Met; replaces isoleucine 222 with methionine.
Molecular consequence: missense variant. On other transcripts: non-coding transcript variant (1), 5 prime UTR variant (1).
Genome position (GRCh38, 1-based): chr20:63,667,520, A>G. VCF-style: chr20-63667520-A-G. GRCh37 (hg19) VCF-style: chr20-62298873-A-G.
Other names: c.738A>G (NM_032957.4); c.-4A>G (NM_001283010.1); c.666A>G, p.Ile222Met (NM_016434.4); c.738A>G, p.Ile246Met (NM_032957.5); short protein forms I246M, I222M.
Identifiers: ClinVar variation 1416296 (VCV001416296.6), dbSNP rs373656372, ClinGen allele CA9964390.

ClinVar aggregate classification (germline): Uncertain significance. Review status: criteria provided, multiple submitters, no conflicts (2 of 4 stars). 2 submissions from 2 submitters: Uncertain significance (2). Last evaluated 2025-06-14.

Conditions:
Inborn genetic diseases. Identifiers: MedGen C0950123, MeSH D030342.
Pulmonary fibrosis and/or bone marrow failure, Telomere-related, 3. Also called: PULMONARY FIBROSIS AND/OR BONE MARROW FAILURE SYNDROME, TELOMERE-RELATED, 3. Identifiers: Orphanet 2032, MedGen C4225346, MONDO:0014613, OMIM 616373.
Dyskeratosis congenita, autosomal recessive 5 (DKCB5). Identifiers: MedGen C3554656, MONDO:0014076, OMIM 615190.

Allele frequency attached by ClinVar (database versions not stated): gnomAD exomes 0.00004 and 0.00002; 1000 Genomes Project 30x 0.00016; TOPMed 0.00002; gnomAD 0.00004; ExAC 0.00004; ESP Exome Variant Server 0.00015.
gnomAD v4.1: 60 of 1,614,002 alleles (0.0037%); highest among the groups gnomAD compares: African/African-American, 0.0053%; no homozygotes.

Submissions (2):

Labcorp Genetics (formerly Invitae), Labcorp
Classification: Uncertain significance for Dyskeratosis congenita, autosomal recessive 5; Pulmonary fibrosis and/or bone marrow failure, Telomere-related, 3. Last evaluated: 2025-06-14. Review status: criteria provided, single submitter. Criteria: Invitae Variant Classification Sherloc (09022015). Collection method: clinical testing. Allele origin: germline.
Comment: This sequence change replaces isoleucine, which is neutral and non-polar, with methionine, which is neutral and non-polar, at codon 222 of the RTEL1 protein (p.Ile222Met). This variant is present in population databases (rs373656372, gnomAD 0.005%). This variant has not been reported in the literature in individuals affected with RTEL1-related conditions. ClinVar contains an entry for this variant (Variation ID: 1416296). An algorithm developed to predict the effect of missense changes on protein structure and function (PolyPhen-2) suggests that this variant is likely to be disruptive. In summary, the available evidence is currently insufficient to determine the role of this variant in disease. Therefore, it has been classified as a Variant of Uncertain Significance.

Ambry Genetics
Classification: Uncertain significance for Inborn genetic diseases. Last evaluated: 2023-12-20. Review status: criteria provided, single submitter. Criteria: Ambry Variant Classification Scheme 2023. Collection method: clinical testing. Allele origin: germline.